The following is an entry in ClinVar:

NM_000321.3(RB1):c.221C>G (p.Ala74Gly)

Gene: RB1 (RB transcriptional corepressor 1; plus strand). Cytogenetic location: 13q14.2.
Variant type: single nucleotide variant.
Coding change: c.221C>G on transcript NM_000321.3 (MANE Select); coding-DNA position 221, C replaced by G.
Protein change: p.Ala74Gly; replaces alanine 74 with glycine.
Molecular consequence: missense variant.
Genome position (GRCh38, 1-based): chr13:48,307,363, C>G. VCF-style: chr13-48307363-C-G. GRCh37 (hg19) VCF-style: chr13-48881499-C-G.
Other names: short protein forms A74G.
Identifiers: ClinVar variation 458141 (VCV000458141.8), dbSNP rs764472420, ClinGen allele CA034844.
Genomic context (GRCh38, chr13:48,307,363, plus strand): 5'-AACCTGATTTTACTGCATTATGTCAGAAATTAAAGATACCAGATCATGTCAGAGAGAGAG[C>G]TTGGTTAACTTGGGAGAAAGTTTCATCTGTGGATGGAGTATTGGTAAGGATTTTCTTAAA-3'
Protein context (NP_000312.2, residues 64-84): LKIPDHVRER[Ala74Gly]WLTWEKVSSV

ClinVar aggregate classification (germline): Uncertain significance (1 of 4 stars; one submission).

Conditions:
Retinoblastoma (RB1). Also called: RETINOBLASTOMA, SOMATIC. Identifiers: Orphanet 790, MedGen C0035335, MeSH D012175, MONDO:0008380, OMIM 180200, HP:0009919. Disease mechanism: loss of function. Inheritance: Both sporadic and heritable forms are tested..

Allele frequency attached by ClinVar (database versions not stated): gnomAD exomes below 0.00001; ExAC 0.00001.
gnomAD v4.1: 1 of 1,612,692 alleles (0.000062%); highest among the groups gnomAD compares: Admixed American, 0.0017%; no homozygotes.

Submission:

Labcorp Genetics (formerly Invitae), Labcorp
Classification: Uncertain significance for Retinoblastoma. Last evaluated: 2017-02-15. Review status: criteria provided, single submitter. Criteria: Invitae Variant Classification Sherloc (09022015). Collection method: clinical testing. Allele origin: germline.
Comment: This sequence change replaces alanine with glycine at codon 74 of the RB1 protein (p.Ala74Gly). The alanine residue is highly conserved and there is a small physicochemical difference between alanine and glycine. This variant is present in population databases (rs764472420, ExAC 0.009%) but has not been reported in the literature in individuals with an RB1-related disease. In summary, this variant is a rare missense change with uncertain impact on protein function. It has been classified as a Variant of Uncertain Significance. Algorithms developed to predict the effect of missense changes on protein structure and function (SIFT, PolyPhen-2, Align-GVGD) all suggest that this variant is likely to be disruptive, but these predictions have not been confirmed by published functional studies. Algorithms developed to predict the effect of sequence changes on RNA splicing suggest that this variant may alter RNA splicing, but this prediction has not been confirmed by published transcriptional studies.